The following is an entry in ClinVar:

ClinVar aggregate classification (germline): Uncertain significance (1 of 4 stars; one submission).

Conditions:
Cohen syndrome (COH1). Also called: PEPPER SYNDROME; Cutis verticis gyrata, retinitis pigmentosa, and sensorineural deafness. Identifiers: Orphanet 193, MedGen C0265223, MONDO:0008999, OMIM 216550.

Submission:

Labcorp Genetics (formerly Invitae), Labcorp
Classification: Uncertain significance for Cohen syndrome. Last evaluated: 2022-08-22. Review status: criteria provided, single submitter. Criteria: Invitae Variant Classification Sherloc (09022015). Collection method: clinical testing. Allele origin: germline.
Comment: This sequence change replaces glutamic acid, which is acidic and polar, with lysine, which is basic and polar, at codon 3737 of the VPS13B protein (p.Glu3737Lys). This variant is not present in population databases (gnomAD no frequency). This variant has not been reported in the literature in individuals affected with VPS13B-related conditions. Algorithms developed to predict the effect of missense changes on protein structure and function are either unavailable or do not agree on the potential impact of this missense change (SIFT: "Not Available"; PolyPhen-2: "Possibly Damaging"; Align-GVGD: "Not Available"). In summary, the available evidence is currently insufficient to determine the role of this variant in disease. Therefore, it has been classified as a Variant of Uncertain Significance.

NM_152564.5(VPS13B):c.11134G>A (p.Glu3712Lys)

Gene: VPS13B (vacuolar protein sorting 13 homolog B; plus strand). Cytogenetic location: 8q22.2.
Variant type: single nucleotide variant.
Coding change: c.11134G>A on transcript NM_152564.5 (MANE Select); coding-DNA position 11134, G replaced by A.
Protein change: p.Glu3712Lys; replaces glutamic acid 3712 with lysine.
Molecular consequence: missense variant.
Genome position (GRCh38, 1-based): chr8:99,861,865, G>A. VCF-style: chr8-99861865-G-A. GRCh37 (hg19) VCF-style: chr8-100874093-G-A.
Other names: c.11209G>A, p.Glu3737Lys (NM_017890.5); short protein forms E3712K, E3737K.
Identifiers: ClinVar variation 1981686 (VCV001981686.1), dbSNP rs1346807622, ClinGen allele CA371790569.